The following is an entry in ClinVar:

ClinVar aggregate classification (germline): Benign. Review status: criteria provided, single submitter (1 of 4 stars). 2 submissions from 2 submitters: Benign (1). 1 of the submissions does not count toward it. Last evaluated 2019-12-31.

Conditions:
SPRTN-related disorder. Also called: SPRTN-related condition.

Allele frequency attached by ClinVar (database versions not stated): gnomAD 0.00064 and 0.00097; TOPMed 0.00087; gnomAD exomes 0.00101 and 0.00198; ExAC 0.00189; 1000 Genomes Project 30x 0.00390; 1000 Genomes Project 0.00479.
gnomAD v4.1: 1,600 of 1,613,772 alleles (0.099%); highest among the groups gnomAD compares: East Asian, 3.4%; 34 homozygotes.

Submissions (2):

Labcorp Genetics (formerly Invitae), Labcorp
Classification: Benign. Last evaluated: 2019-12-31. Review status: criteria provided, single submitter. Criteria: Invitae Variant Classification Sherloc (09022015). Collection method: clinical testing. Allele origin: germline.

PreventionGenetics, part of Exact Sciences
Classification: Benign for SPRTN-related condition. Last evaluated: 2024-02-19. Review status: no assertion criteria provided. Collection method: clinical testing. Allele origin: germline. Not counted in ClinVar's aggregate classification.
Comment: This variant is classified as benign based on ACMG/AMP sequence variant interpretation guidelines (Richards et al. 2015 PMID: 25741868, with internal and published modifications).

NM_032018.7(SPRTN):c.904G>A (p.Val302Met)

Gene: SPRTN (SprT-like N-terminal domain; plus strand). Cytogenetic location: 1q42.2.
Variant type: single nucleotide variant.
Coding change: c.904G>A on transcript NM_032018.7 (MANE Select); coding-DNA position 904, G replaced by A.
Protein change: p.Val302Met; replaces valine 302 with methionine.
Molecular consequence: missense variant. On other transcripts: 3 prime UTR variant (2).
Genome position (GRCh38, 1-based): chr1:231,352,795, G>A. VCF-style: chr1-231352795-G-A. GRCh37 (hg19) VCF-style: chr1-231488541-G-A.
Other names: c.*1189G>A (NM_001010984.4, NM_001261462.3); short protein forms V302M.
Identifiers: ClinVar variation 713886 (VCV000713886.6), dbSNP rs78209580, ClinGen allele CA1452830.